The following is an entry in ClinVar:

ClinVar aggregate classification (germline): Uncertain significance. Review status: criteria provided, multiple submitters, no conflicts (2 of 4 stars). 3 submissions from 3 submitters: Uncertain significance (2). 1 of the submissions does not count toward it. Last evaluated 2025-04-27.

Conditions:
Hereditary cancer-predisposing syndrome. Also called: Tumor predisposition; Hereditary Cancer Syndrome; Neoplastic Syndromes, Hereditary; Hereditary neoplastic syndrome. Identifiers: Orphanet 140162, MedGen C0027672, MeSH D009386, MONDO:0015356.
Bloom syndrome (BLM). Also called: Bloom-Torre-Machacek syndrome. Identifiers: Orphanet 125, MedGen C0005859, MONDO:0008876, OMIM 210900.

Allele frequency attached by ClinVar (database versions not stated): TOPMed below 0.00001; gnomAD 0.00002.
gnomAD v4.1: 3 of 1,614,108 alleles (0.00019%); highest among the groups gnomAD compares: African/African-American, 0.004%; no homozygotes.

Submissions (3):

Labcorp Genetics (formerly Invitae), Labcorp
Classification: Uncertain significance for Bloom syndrome. Last evaluated: 2025-04-27. Review status: criteria provided, single submitter. Criteria: Invitae Variant Classification Sherloc (09022015). Collection method: clinical testing. Allele origin: germline.
Comment: This sequence change replaces glutamine, which is neutral and polar, with arginine, which is basic and polar, at codon 932 of the BLM protein (p.Gln932Arg). This variant is present in population databases (no rsID available, gnomAD 0.02%). This variant has not been reported in the literature in individuals affected with BLM-related conditions. ClinVar contains an entry for this variant (Variation ID: 821819). Invitae Evidence Modeling of protein sequence and biophysical properties (such as structural, functional, and spatial information, amino acid conservation, physicochemical variation, residue mobility, and thermodynamic stability) indicates that this missense variant is not expected to disrupt BLM protein function with a negative predictive value of 80%. In summary, the available evidence is currently insufficient to determine the role of this variant in disease. Therefore, it has been classified as a Variant of Uncertain Significance.

Ambry Genetics
Classification: Uncertain significance for Hereditary cancer-predisposing syndrome. Last evaluated: 2023-04-22. Review status: criteria provided, single submitter. Criteria: Ambry Variant Classification Scheme 2023. Collection method: clinical testing. Allele origin: germline.
Comment: The p.Q932R variant (also known as c.2795A>G), located in coding exon 13 of the BLM gene, results from an A to G substitution at nucleotide position 2795. The glutamine at codon 932 is replaced by arginine, an amino acid with highly similar properties. This amino acid position is poorly conserved in available vertebrate species. In addition, this alteration is predicted to be tolerated by in silico analysis. Since supporting evidence is limited at this time, the clinical significance of this alteration remains unclear.

Natera, Inc.
Classification: Uncertain significance for Bloom syndrome. Last evaluated: 2018-10-28. Review status: no assertion criteria provided. Collection method: clinical testing. Allele origin: germline. Not counted in ClinVar's aggregate classification.

NM_000057.4(BLM):c.2795A>G (p.Gln932Arg)

Gene: BLM (BLM RecQ like helicase; plus strand). Cytogenetic location: 15q26.1.
Variant type: single nucleotide variant.
Coding change: c.2795A>G on transcript NM_000057.4 (MANE Select); coding-DNA position 2795, A replaced by G.
Protein change: p.Gln932Arg; replaces glutamine 932 with arginine.
Molecular consequence: missense variant.
Genome position (GRCh38, 1-based): chr15:90,785,053, A>G. VCF-style: chr15-90785053-A-G. GRCh37 (hg19) VCF-style: chr15-91328283-A-G.
Other names: c.2795A>G, p.Gln932Arg (NM_001287246.2, NM_001287247.2); c.1670A>G, p.Gln557Arg (NM_001287248.2); short protein forms Q557R, Q932R.
Identifiers: ClinVar variation 821819 (VCV000821819.16), dbSNP rs1427273201, ClinGen allele CA393846132.